The following is an entry in ClinVar:

ClinVar aggregate classification (germline): Likely benign (1 of 4 stars; one submission).

Conditions:
Hypogonadotropic hypogonadism 7 with or without anosmia (HH7). Also called: HYPOGONADOTROPIC HYPOGONADISM 7 WITHOUT ANOSMIA; GNRHR-Related GnRH Deficiency. Identifiers: Orphanet 432, MedGen C0342384, MONDO:0007794, OMIM 146110.

Allele frequency attached by ClinVar (database versions not stated): gnomAD 0.00890 and 0.00838; TOPMed 0.00947; 1000 Genomes Project 0.01018; 1000 Genomes Project 30x 0.01077.

Submission:

Illumina Laboratory Services, Illumina
Classification: Likely benign for Hypogonadotropic hypogonadism 7 with or without anosmia. Last evaluated: 2018-01-12. Review status: criteria provided, single submitter. Criteria: ICSL Variant Classification Criteria 13 December 2019. Collection method: clinical testing. Allele origin: germline.
Comment: This variant was observed in the ICSL laboratory as part of a predisposition screen in an ostensibly healthy population. It had not been previously curated by ICSL or reported in the Human Gene Mutation Database (HGMD: prior to June 1st, 2018), and was therefore a candidate for classification through an automated scoring system. Utilizing variant allele frequency, disease prevalence and penetrance estimates, and inheritance mode, an automated score was calculated to assess if this variant is too frequent to cause the disease. Based on the score and internal cut-off values, a variant classified as likely benign is not then subjected to further curation. The score for this variant resulted in a classification of likely benign for this disease.

NM_000406.2(GNRHR):c.-541G>A

Gene: GNRHR (gonadotropin releasing hormone receptor; minus strand). Cytogenetic location: 4q13.2.
Variant type: single nucleotide variant.
Coding change: c.-541G>A on transcript NM_000406.2; 541 bases upstream of the start codon, G replaced by A.
Genome position (GRCh38, 1-based): chr4:67,754,876, C>T on the plus strand (G>A on the coding strand, the complement: GNRHR is on the minus strand). VCF-style: chr4-67754876-C-T. GRCh37 (hg19) VCF-style: chr4-68620594-C-T.
Identifiers: ClinVar variation 349462 (VCV000349462.7), dbSNP rs140006155, ClinGen allele CA10618167.